The following is an entry in ClinVar:

NM_000135.4(FANCA):c.71A>T (p.Glu24Val)

Genes: FANCA (FA complementation group A; minus strand), LOC112486223 (Sharpr-MPRA regulatory region 3988; plus strand). Cytogenetic location: 16q24.3.
Variant type: single nucleotide variant.
Coding change: c.71A>T on transcript NM_000135.4 (MANE Select); coding-DNA position 71, A replaced by T.
Protein change: p.Glu24Val; replaces glutamic acid 24 with valine.
Molecular consequence: missense variant.
Genome position (GRCh38, 1-based): chr16:89,816,545, T>A on the plus strand (A>T on the coding strand, the complement: FANCA is on the minus strand). VCF-style: chr16-89816545-T-A. GRCh37 (hg19) VCF-style: chr16-89882953-T-A.
Other names: c.71A>T, p.Glu24Val (NM_001018112.3, NM_001286167.3, NM_001351830.2); short protein forms E24V.
Identifiers: ClinVar variation 4806513 (VCV004806513.1).

ClinVar aggregate classification (germline): Uncertain significance (1 of 4 stars; one submission).

Conditions:
Fanconi anemia (FA). Also called: Fanconi's anemia. Identifiers: Orphanet 84, MedGen C0015625, MeSH D005199, MONDO:0019391.

gnomAD v4.1: 2 of 1,499,032 alleles (0.00013%); highest among the groups gnomAD compares: South Asian, 0.0025%; no homozygotes.

Submission:

Labcorp Genetics (formerly Invitae), Labcorp
Classification: Uncertain significance for Fanconi anemia. Last evaluated: 2025-07-16. Review status: criteria provided, single submitter. Criteria: Invitae Variant Classification Sherloc (09022015). Collection method: clinical testing. Allele origin: germline.
Comment: This sequence change replaces glutamic acid, which is acidic and polar, with valine, which is neutral and non-polar, at codon 24 of the FANCA protein (p.Glu24Val). This variant is not present in population databases (gnomAD no frequency). This variant has not been reported in the literature in individuals affected with FANCA-related conditions. Invitae Evidence Modeling of protein sequence and biophysical properties (such as structural, functional, and spatial information, amino acid conservation, physicochemical variation, residue mobility, and thermodynamic stability) indicates that this missense variant is not expected to disrupt FANCA protein function with a negative predictive value of 95%. In summary, the available evidence is currently insufficient to determine the role of this variant in disease. Therefore, it has been classified as a Variant of Uncertain Significance.